The following is an entry in ClinVar:

NM_021072.4(HCN1):c.678C>G (p.Phe226Leu)

Gene: HCN1 (hyperpolarization activated cyclic nucleotide gated potassium channel 1; minus strand). Cytogenetic location: 5p12.
Variant type: single nucleotide variant.
Coding change: c.678C>G on transcript NM_021072.4 (MANE Select); coding-DNA position 678, C replaced by G.
Protein change: p.Phe226Leu; replaces phenylalanine 226 with leucine.
Molecular consequence: missense variant.
Genome position (GRCh38, 1-based): chr5:45,645,356, G>C on the plus strand (C>G on the coding strand, the complement: HCN1 is on the minus strand). VCF-style: chr5-45645356-G-C. GRCh37 (hg19) VCF-style: chr5-45645458-G-C.
Other names: short protein forms F226L.
Identifiers: ClinVar variation 941185 (VCV000941185.10), dbSNP rs754468811, ClinGen allele CA3259424.
Genomic context (GRCh38, chr5:45,645,356, plus strand): 5'-TTCAGAATCCATTCCTTTTTCTACAATAAGAAAGATATAATCCACTGGGATGGATGAGAT[G>C]AAGTCAACCACAAACCAGCTTTTTAAATAATTCATCTTGATCACTTTGGGGTCCAGGATG-3'
Protein context (NP_066550.2, residues 216-236): NYLKSWFVVD[Phe226Leu]ISSIPVDYIF

ClinVar aggregate classification (germline): Uncertain significance (1 of 4 stars; one submission).

Conditions:
Early-infantile DEE. Also called: Early infantile epileptic encephalopathy; Ohtahara syndrome; Early infantile epileptic encephalopathy with suppression bursts. Identifiers: Orphanet 1934, MedGen C0393706, MONDO:0800491.

Allele frequency attached by ClinVar (database versions not stated): TOPMed below 0.00001; ExAC 0.00001; gnomAD exomes 0.00001 and 0.00007.
gnomAD v4.1: 102 of 1,613,612 alleles (0.0063%); highest among the groups gnomAD compares: Non-Finnish European, 0.0086%; no homozygotes.

Submission:

Labcorp Genetics (formerly Invitae), Labcorp
Classification: Uncertain significance for Early-infantile DEE. Last evaluated: 2024-02-03. Review status: criteria provided, single submitter. Criteria: Invitae Variant Classification Sherloc (09022015). Collection method: clinical testing. Allele origin: germline.
Comment: This sequence change replaces phenylalanine, which is neutral and non-polar, with leucine, which is neutral and non-polar, at codon 226 of the HCN1 protein (p.Phe226Leu). This variant is present in population databases (rs754468811, gnomAD 0.002%). This variant has not been reported in the literature in individuals affected with HCN1-related conditions. ClinVar contains an entry for this variant (Variation ID: 941185). Advanced modeling of protein sequence and biophysical properties (such as structural, functional, and spatial information, amino acid conservation, physicochemical variation, residue mobility, and thermodynamic stability) performed at Invitae indicates that this missense variant is not expected to disrupt HCN1 protein function with a negative predictive value of 80%. In summary, the available evidence is currently insufficient to determine the role of this variant in disease. Therefore, it has been classified as a Variant of Uncertain Significance.